The following is an entry in ClinVar:

ClinVar aggregate classification (germline): Uncertain significance (1 of 4 stars; one submission).

gnomAD v4.1: 62 of 1,613,518 alleles (0.0038%); highest among the groups gnomAD compares: African/African-American, 0.008%; no homozygotes.

Submission:

Labcorp Genetics (formerly Invitae), Labcorp
Classification: Uncertain significance. Last evaluated: 2025-03-14. Review status: criteria provided, single submitter. Criteria: Invitae Variant Classification Sherloc (09022015). Collection method: clinical testing. Allele origin: germline.
Comment: This sequence change replaces valine, which is neutral and non-polar, with methionine, which is neutral and non-polar, at codon 884 of the SORL1 protein (p.Val884Met). This variant is present in population databases (rs138761977, gnomAD 0.005%). This missense change has been observed in individual(s) with SORL1-related conditions (PMID: 27026413). An algorithm developed to predict the effect of missense changes on protein structure and function outputs the following: PolyPhen-2: "Benign". The methionine amino acid residue is found in multiple mammalian species, which suggests that this missense change does not adversely affect protein function. In summary, the available evidence is currently insufficient to determine the role of this variant in disease. Therefore, it has been classified as a Variant of Uncertain Significance.

Literature cited by the submitters: PubMed 27026413.

NM_003105.6(SORL1):c.2650G>A (p.Val884Met)

Gene: SORL1 (sortilin related receptor 1; plus strand). Cytogenetic location: 11q24.1.
Variant type: single nucleotide variant.
Coding change: c.2650G>A on transcript NM_003105.6 (MANE Select); coding-DNA position 2650, G replaced by A.
Protein change: p.Val884Met; replaces valine 884 with methionine.
Molecular consequence: missense variant.
Genome position (GRCh38, 1-based): chr11:121,557,392, G>A. VCF-style: chr11-121557392-G-A. GRCh37 (hg19) VCF-style: chr11-121428101-G-A.
Other names: short protein forms V884M.
Identifiers: ClinVar variation 4709905 (VCV004709905.1).